The following is an entry in ClinVar:

ClinVar aggregate classification (germline): Uncertain significance (1 of 4 stars; one submission).

Submission:

Labcorp Genetics (formerly Invitae), Labcorp
Classification: Uncertain significance. Last evaluated: 2022-08-16. Review status: criteria provided, single submitter. Criteria: Invitae Variant Classification Sherloc (09022015). Collection method: clinical testing. Allele origin: germline.
Comment: This sequence change replaces glycine, which is neutral and non-polar, with serine, which is neutral and polar, at codon 981 of the SLC24A1 protein (p.Gly981Ser). In summary, the available evidence is currently insufficient to determine the role of this variant in disease. Therefore, it has been classified as a Variant of Uncertain Significance. Algorithms developed to predict the effect of missense changes on protein structure and function (SIFT, PolyPhen-2, Align-GVGD) all suggest that this variant is likely to be disruptive. ClinVar contains an entry for this variant (Variation ID: 1392987). This variant has not been reported in the literature in individuals affected with SLC24A1-related conditions. This variant is not present in population databases (gnomAD no frequency).

NM_004727.3(SLC24A1):c.2941G>A (p.Gly981Ser)

Gene: SLC24A1 (solute carrier family 24 member 1; plus strand). Cytogenetic location: 15q22.31.
Variant type: single nucleotide variant.
Coding change: c.2941G>A on transcript NM_004727.3 (MANE Select); coding-DNA position 2941, G replaced by A.
Protein change: p.Gly981Ser; replaces glycine 981 with serine.
Molecular consequence: missense variant.
Genome position (GRCh38, 1-based): chr15:65,652,699, G>A. VCF-style: chr15-65652699-G-A. GRCh37 (hg19) VCF-style: chr15-65945037-G-A.
Other names: c.922G>A, p.Gly308Ser (NM_001254740.2); c.2851G>A, p.Gly951Ser (NM_001301031.1); c.2887G>A, p.Gly963Ser (NM_001301032.1, NM_001301033.2); short protein forms G308S, G951S, G963S, G981S.
Identifiers: ClinVar variation 1392987 (VCV001392987.6), dbSNP rs2075546593, ClinGen allele CA392902154.